The following is an entry in ClinVar:

NM_014727.3(KMT2B):c.146G>A (p.Arg49His)

Genes: KMT2B (lysine methyltransferase 2B; plus strand), LOC130064258 (ATAC-STARR-seq lymphoblastoid silent region 10535; plus strand). Cytogenetic location: 19q13.12.
Variant type: single nucleotide variant.
Coding change: c.146G>A on transcript NM_014727.3 (MANE Select); coding-DNA position 146, G replaced by A.
Protein change: p.Arg49His; replaces arginine 49 with histidine.
Molecular consequence: missense variant.
Genome position (GRCh38, 1-based): chr19:35,718,164, G>A. VCF-style: chr19-35718164-G-A. GRCh37 (hg19) VCF-style: chr19-36209066-G-A.
Other names: short protein forms R49H.
Identifiers: ClinVar variation 1305303 (VCV001305303.3), dbSNP rs1470783261, ClinGen allele CA405374777.

ClinVar aggregate classification (germline): Uncertain significance (1 of 4 stars; one submission).

Allele frequency attached by ClinVar (database versions not stated): gnomAD exomes 0.00001.
gnomAD v4.1: 5 of 1,078,534 alleles (0.00046%); highest among the groups gnomAD compares: Non-Finnish European, 0.00056%; no homozygotes.

Submission:

GeneDx
Classification: Uncertain significance. Last evaluated: 2022-04-11. Review status: criteria provided, single submitter. Criteria: GeneDx Variant Classification Process June 2021. Collection method: clinical testing. Allele origin: germline. Affected: yes.
Comment: Not observed at significant frequency in large population cohorts (gnomAD); In silico analysis supports that this missense variant does not alter protein structure/function; Has not been previously published as pathogenic or benign to our knowledge